The following is an entry in ClinVar:

NM_144631.6(ZNF513):c.1152T>C (p.Gly384=)

Gene: ZNF513 (zinc finger protein 513; minus strand). Cytogenetic location: 2p23.3.
Variant type: single nucleotide variant.
Coding change: c.1152T>C on transcript NM_144631.6 (MANE Select); coding-DNA position 1152, T replaced by C.
Protein change: p.Gly384=; no amino-acid change (glycine 384 retained).
Molecular consequence: synonymous variant.
Genome position (GRCh38, 1-based): chr2:27,378,019, A>G on the plus strand (T>C on the coding strand, the complement: ZNF513 is on the minus strand). VCF-style: chr2-27378019-A-G. GRCh37 (hg19) VCF-style: chr2-27600886-A-G.
Other names: c.1152T>C (NM_144631.5); c.966T>C, p.Gly322= (NM_001201459.2).
Identifiers: ClinVar variation 1142611 (VCV001142611.12), dbSNP rs145897230, ClinGen allele CA1577850.

ClinVar aggregate classification (germline): Likely benign. Review status: criteria provided, multiple submitters, no conflicts (2 of 4 stars). 3 submissions from 3 submitters: Likely benign (2). 1 of the submissions does not count toward it. Last evaluated 2025-08-02.

Conditions:
ZNF513-related disorder. Also called: ZNF513-related condition.

Allele frequency attached by ClinVar (database versions not stated): gnomAD exomes 0.00010; ExAC 0.00011; gnomAD 0.00032; TOPMed 0.00037; ESP Exome Variant Server 0.00046; 1000 Genomes Project 30x 0.00047; 1000 Genomes Project 0.00060.

Submissions (3):

Labcorp Genetics (formerly Invitae), Labcorp
Classification: Likely benign. Last evaluated: 2025-08-02. Review status: criteria provided, single submitter. Criteria: Invitae Variant Classification Sherloc (09022015). Collection method: clinical testing. Allele origin: germline.

Blueprint Genetics
Classification: Likely benign. Last evaluated: 2023-07-11. Review status: criteria provided, single submitter. Criteria: ACMG Guidelines, 2015. Collection method: clinical testing. Allele origin: germline.

PreventionGenetics, part of Exact Sciences
Classification: Likely benign for ZNF513-related condition. Last evaluated: 2019-06-17. Review status: no assertion criteria provided. Collection method: clinical testing. Allele origin: germline. Not counted in ClinVar's aggregate classification.
Comment: This variant is classified as likely benign based on ACMG/AMP sequence variant interpretation guidelines (Richards et al. 2015 PMID: 25741868, with internal and published modifications).